The following is an entry in ClinVar:

NM_001332.4(CTNND2):c.2142C>T (p.Asn714=)

Gene: CTNND2 (catenin delta 2; minus strand). Cytogenetic location: 5p15.2.
Variant type: single nucleotide variant.
Coding change: c.2142C>T on transcript NM_001332.4 (MANE Select); coding-DNA position 2142, C replaced by T.
Protein change: p.Asn714=; no amino-acid change (asparagine 714 retained).
Molecular consequence: synonymous variant. On other transcripts: non-coding transcript variant (1).
Genome position (GRCh38, 1-based): chr5:11,159,593, G>A on the plus strand (C>T on the coding strand, the complement: CTNND2 is on the minus strand). VCF-style: chr5-11159593-G-A. GRCh37 (hg19) VCF-style: chr5-11159705-G-A.
Other names: c.1869C>T, p.Asn623= (NM_001288715.1); c.1131C>T, p.Asn377= (NM_001288716.1, NM_001364128.2); c.843C>T, p.Asn281= (NM_001288717.2); c.2142C>T (NM_001332.3).
Identifiers: ClinVar variation 1317178 (VCV001317178.4), dbSNP rs779779196, ClinGen allele CA3200695.
Genomic context (GRCh38, chr5:11,159,593, plus strand): 5'-AGGGGAAGATGGTGGGAGGAGGCACTCGTGACACAGGACTGACCTTAGGCACCCGGTGGC[G>A]TTACGCAGCACCTGTGATGAATGCAGCTGTATTTTCCGATCATCCTGAAGAGGCGAATTT-3'
Protein context (NP_001323.1, residues 704-724): IQLHSSQVLR[Asn714=]ATGCLRNVSS

ClinVar aggregate classification (germline): Likely benign. Review status: criteria provided, single submitter (1 of 4 stars). 2 submissions from 2 submitters: Likely benign (1). 1 of the submissions does not count toward it. Last evaluated 2020-02-27.

Conditions:
CTNND2-related disorder. Also called: CTNND2-related condition.

Allele frequency attached by ClinVar (database versions not stated): gnomAD 0.00002; TOPMed 0.00005; ExAC 0.00014; gnomAD exomes 0.00015.
gnomAD v4.1: 62 of 1,611,338 alleles (0.0038%); highest among the groups gnomAD compares: Admixed American, 0.064%; no homozygotes.

Submissions (2):

GeneDx
Classification: Likely benign. Last evaluated: 2020-02-27. Review status: criteria provided, single submitter. Criteria: GeneDx Variant Classification Process June 2021. Collection method: clinical testing. Allele origin: germline. Affected: yes.

PreventionGenetics, part of Exact Sciences
Classification: Likely benign for CTNND2-related condition. Last evaluated: 2024-02-15. Review status: no assertion criteria provided. Collection method: clinical testing. Allele origin: germline. Not counted in ClinVar's aggregate classification.
Comment: This variant is classified as likely benign based on ACMG/AMP sequence variant interpretation guidelines (Richards et al. 2015 PMID: 25741868, with internal and published modifications).